The following is an entry in ClinVar:

NM_000138.5(FBN1):c.5546-17A>G

Gene: FBN1 (fibrillin 1; minus strand). Cytogenetic location: 15q21.1.
Variant type: single nucleotide variant.
Coding change: c.5546-17A>G on transcript NM_000138.5 (MANE Select); 17 bases into the intron before coding-DNA position 5546, A replaced by G.
Molecular consequence: intron variant.
Genome position (GRCh38, 1-based): chr15:48,448,910, T>C on the plus strand (A>G on the coding strand, the complement: FBN1 is on the minus strand). VCF-style: chr15-48448910-T-C. GRCh37 (hg19) VCF-style: chr15-48741107-T-C.
Identifiers: ClinVar variation 1696092 (VCV001696092.2), dbSNP rs758777360, ClinGen allele CA055197.

ClinVar aggregate classification (germline): Conflicting classifications of pathogenicity. Review status: criteria provided, conflicting classifications (1 of 4 stars). 2 submissions from 2 submitters: Uncertain significance (1); Likely benign (1). Last evaluated 2025-10-08.

Conditions:
Marfan syndrome (MFS). Also called: Marfan's syndrome; Marfan syndrome, classic; MARFAN SYNDROME, TYPE I; Marfan syndrome type 1; FBN1-Related Marfan Syndrome. Identifiers: Orphanet 284963, Orphanet 558, MedGen C0024796, MONDO:0007947, OMIM 154700.
Familial thoracic aortic aneurysm and aortic dissection (TAAD). Also called: Thoracic aortic aneurysms and dissections. Identifiers: Orphanet 91387, MedGen C4707243, MONDO:0019625.

Allele frequency attached by ClinVar (database versions not stated): gnomAD exomes below 0.00001 and 0.00001; TOPMed 0.00001; ExAC 0.00001.

Submissions (2):

Labcorp Genetics (formerly Invitae), Labcorp
Classification: Likely benign for Marfan syndrome; Familial thoracic aortic aneurysm and aortic dissection. Last evaluated: 2025-10-08. Review status: criteria provided, single submitter. Criteria: Invitae Variant Classification Sherloc (09022015). Collection method: clinical testing. Allele origin: germline.

Women's Health and Genetics/Laboratory Corporation of America, LabCorp
Classification: Uncertain significance. Last evaluated: 2022-05-23. Review status: criteria provided, single submitter. Criteria: LabCorp Variant Classification Summary - May 2015. Collection method: clinical testing. Allele origin: germline.
Comment: Variant summary: FBN1 c.5546-17A>G alters a nucleotide located close to a canonical splice site and therefore could affect mRNA splicing, leading to a significantly altered protein sequence. Several computational tools predict a significant impact on normal splicing: Three predict the variant creates a 5 prime donor site. However, these predictions have yet to be confirmed by functional studies. The variant allele was found at a frequency of 1.2e-05 in 249870 control chromosomes. The available data on variant occurrences in the general population are insufficient to allow any conclusion about variant significance. To our knowledge, no occurrence of c.5546-17A>G in individuals affected with Marfan Syndrome and no experimental evidence demonstrating its impact on protein function have been reported. No clinical diagnostic laboratories have submitted clinical-significance assessments for this variant to ClinVar after 2014. Based on the evidence outlined above, the variant was classified as uncertain significance.